The following is an entry in ClinVar:

ClinVar aggregate classification (germline): Conflicting classifications of pathogenicity. Review status: criteria provided, conflicting classifications (1 of 4 stars). 3 submissions from 3 submitters: Likely pathogenic (1); Uncertain significance (2). Last evaluated 2025-11-26.

Conditions:
Hereditary cancer-predisposing syndrome. Also called: Tumor predisposition; Hereditary neoplastic syndrome; Hereditary Cancer Syndrome; Neoplastic Syndromes, Hereditary. Identifiers: Orphanet 140162, MedGen C0027672, MeSH D009386, MONDO:0015356.

Allele frequency attached by ClinVar (database versions not stated): gnomAD 0.00001.

Submissions (3):

Ambry Genetics
Classification: Uncertain significance for Hereditary cancer-predisposing syndrome. Last evaluated: 2025-11-26. Review status: criteria provided, single submitter. Criteria: Ambry Variant Classification Scheme 2023. Collection method: clinical testing. Allele origin: germline.
Comment: The c.5812-1G>T intronic variant results from a G to T substitution one nucleotide upstream from coding exon 43 of the POLE gene. This nucleotide position is highly conserved in available vertebrate species. In silico splice site analysis predicts that this alteration will weaken the native splice acceptor site and may result in the creation or strengthening of a novel splice acceptor site; however, direct evidence is insufficient at this time (Ambry internal data). Alterations that disrupt the canonical splice site are expected to cause aberrant splicing, resulting in an abnormal protein or a transcript that is subject to nonsense-mediated mRNA decay. Although biallelic loss of function of POLE has been associated with autosomal recessive POLE deficiency, haploinsufficiency of POLE has not been established as a mechanism of disease for POLE-related polymerase proofreading-associated polyposis (PPAP) and POLE-related CMMRD-like syndrome. Based on the supporting evidence, this variant is expected to be causative of POLE deficiency when present along with a second pathogenic variant on the other allele; however, its clinical significance for PPAP and POLE-related CMMRD-like syndrome is unclear.

Center for Genomic Medicine, Rigshospitalet, Copenhagen University Hospital
Classification: Uncertain significance. Last evaluated: 2025-03-04. Review status: criteria provided, single submitter. Criteria: ACMG Guidelines, 2015. Collection method: clinical testing. Allele origin: germline.

Labcorp Genetics (formerly Invitae), Labcorp
Classification: Likely pathogenic. Last evaluated: 2023-09-03. Review status: criteria provided, single submitter. Criteria: Invitae Variant Classification Sherloc (09022015). Collection method: clinical testing. Allele origin: germline.
Comment: ClinVar contains an entry for this variant (Variation ID: 936199). Algorithms developed to predict the effect of sequence changes on RNA splicing suggest that this variant may disrupt the consensus splice site. In summary, the currently available evidence indicates that the variant is pathogenic, but additional data are needed to prove that conclusively. Therefore, this variant has been classified as Likely Pathogenic. This sequence change affects an acceptor splice site in intron 42 of the POLE gene. It is expected to disrupt RNA splicing. Variants that disrupt the donor or acceptor splice site typically lead to a loss of protein function (PMID: 16199547), and loss-of-function variants in POLE are known to be pathogenic (PMID: 23230001, 25948378, 30503519). This variant is present in population databases (no rsID available, gnomAD 0.004%). This variant has not been reported in the literature in individuals affected with POLE-related conditions.

Literature cited by the submitters: PubMed 16199547 (cited by Labcorp Genetics (formerly Invitae), Labcorp); PubMed 23230001 (cited by Labcorp Genetics (formerly Invitae), Labcorp); PubMed 25948378 (cited by Labcorp Genetics (formerly Invitae), Labcorp); PubMed 30503519 (cited by Labcorp Genetics (formerly Invitae), Labcorp).

NM_006231.4(POLE):c.5812-1G>T

Gene: POLE (DNA polymerase epsilon, catalytic subunit; minus strand). Cytogenetic location: 12q24.33.
Variant type: single nucleotide variant.
Coding change: c.5812-1G>T on transcript NM_006231.4 (MANE Select); the canonical splice acceptor site of the intron before coding-DNA position 5812, G replaced by T.
Molecular consequence: splice acceptor variant.
Genome position (GRCh38, 1-based): chr12:132,634,379, C>A on the plus strand (G>T on the coding strand, the complement: POLE is on the minus strand). VCF-style: chr12-132634379-C-A. GRCh37 (hg19) VCF-style: chr12-133210965-C-A.
Other names: c.5812-1G>T (NM_006231.2).
Identifiers: ClinVar variation 936199 (VCV000936199.18), dbSNP rs1296022681, ClinGen allele CA387371930.
Genomic context (GRCh38, chr12:132,634,379, plus strand): 5'-CTCCTCATCGTCCTCATTTTCCTGCTCATCCTCTGCTCCCCCTGCTTTCTGGGAGTCTTG[C>A]TGTAACACATGAGACAACGCGGCTGTGTTTGCACCATCGCGGCCTGGTAGAGGGGTAGGA-3'